The following is an entry in ClinVar:

ClinVar aggregate classification (germline): Uncertain significance (1 of 4 stars; one submission).

Submission:

GeneDx
Classification: Uncertain significance. Last evaluated: 2020-04-17. Review status: criteria provided, single submitter. Criteria: GeneDx Variant Classification Process June 2021. Collection method: clinical testing. Allele origin: germline. Affected: yes.
Comment: Not observed in large population cohorts (Lek et al., 2016); In silico analysis, which includes splice predictors and evolutionary conservation, supports a deleterious effect; Has not been previously published as pathogenic or benign to our knowledge

NM_000548.5(TSC2):c.3611-11C>A

Gene: TSC2 (TSC complex subunit 2; plus strand). Cytogenetic location: 16p13.3.
Variant type: single nucleotide variant.
Coding change: c.3611-11C>A on transcript NM_000548.5 (MANE Select); 11 bases into the intron before coding-DNA position 3611, C replaced by A.
Molecular consequence: intron variant.
Genome position (GRCh38, 1-based): chr16:2,081,584, C>A. VCF-style: chr16-2081584-C-A. GRCh37 (hg19) VCF-style: chr16-2131585-C-A.
Other names: c.3611-11C>A (NM_001114382.3); c.3482-11C>A (NM_021055.3, NM_001370405.1, NM_001363528.2); c.3479-11C>A (NM_001370404.1, NM_001077183.3); c.3371-11C>A (NM_001318827.2); c.2879-11C>A (NM_001318831.2); c.3335-11C>A (NM_001318829.2); c.3512-11C>A (NM_001318832.2).
Identifiers: ClinVar variation 1203927 (VCV001203927.3), dbSNP rs375617364, ClinGen allele CA2499223326.
Genomic context (GRCh38, chr16:2,081,584, plus strand): 5'-GGCCCCTGGGGGGCCAGAGATGGGTAAGGGGAGGTACTGGCCTCAGGCCAAAGGTGCTGC[C>A]GCCTCCGCAGGGAACACCAGCTGGCTGATGAGCCTGGAGAACCCGCTCAGCCCTTTCTCC-3'